The following is an entry in ClinVar:

ClinVar aggregate classification (germline): Benign/Likely benign. Review status: criteria provided, multiple submitters, no conflicts (2 of 4 stars). 3 submissions from 3 submitters: Benign (1); Likely benign (1). 1 of the submissions does not count toward it. Last evaluated 2019-12-31.

Conditions:
Hecht syndrome (DA7). Also called: MOUTH, INABILITY TO OPEN COMPLETELY, AND SHORT FINGER-FLEXOR TENDONS; Dutch-Kentucky syndrome. Identifiers: Orphanet 3377, MedGen C0265226, MONDO:0008016, OMIM 158300. Disease mechanism: gain of function.

Allele frequency attached by ClinVar (database versions not stated): gnomAD exomes 0.00042 and 0.00113; ExAC 0.00139; gnomAD 0.00399 and 0.00426; 1000 Genomes Project 0.00419; TOPMed 0.00464; 1000 Genomes Project 30x 0.00468; ESP Exome Variant Server 0.00477.
gnomAD v4.1: 1,239 of 1,610,198 alleles (0.077%); highest among the groups gnomAD compares: African/African-American, 1.4%; 9 homozygotes.

Submissions (3):

Labcorp Genetics (formerly Invitae), Labcorp
Classification: Benign. Last evaluated: 2019-12-31. Review status: criteria provided, single submitter. Criteria: Invitae Variant Classification Sherloc (09022015). Collection method: clinical testing. Allele origin: germline.

Illumina Laboratory Services, Illumina
Classification: Likely benign for Hecht syndrome. Last evaluated: 2018-01-13. Review status: criteria provided, single submitter. Criteria: ICSL Variant Classification Criteria 13 December 2019. Collection method: clinical testing. Allele origin: germline.
Comment: This variant was observed in the ICSL laboratory as part of a predisposition screen in an ostensibly healthy population. It had not been previously curated by ICSL or reported in the Human Gene Mutation Database (HGMD: prior to June 1st, 2018), and was therefore a candidate for classification through an automated scoring system. Utilizing variant allele frequency, disease prevalence and penetrance estimates, and inheritance mode, an automated score was calculated to assess if this variant is too frequent to cause the disease. Based on the score and internal cut-off values, a variant classified as likely benign is not then subjected to further curation. The score for this variant resulted in a classification of likely benign for this disease.

Genetic Services Laboratory, University of Chicago
Classification: Likely benign for AllHighlyPenetrant. Review status: no assertion criteria provided. Collection method: clinical testing. Allele origin: germline. Inheritance: Autosomal dominant inheritance. Not counted in ClinVar's aggregate classification.
Comment: Likely benign based on allele frequency in 1000 Genomes Project or ESP global frequency and its presence in a patient with a rare or unrelated disease phenotype. NOT Sanger confirmed.

NM_002472.3(MYH8):c.805+9C>T

Genes: MYH8 (myosin heavy chain 8; minus strand), MYHAS (myosin heavy chain gene cluster antisense RNA; plus strand). Cytogenetic location: 17p13.1.
Variant type: single nucleotide variant.
Coding change: c.805+9C>T on transcript NM_002472.3 (MANE Select); 9 bases into the intron after coding-DNA position 805, C replaced by T.
Molecular consequence: intron variant.
Genome position (GRCh38, 1-based): chr17:10,415,107, G>A on the plus strand (C>T on the coding strand, the complement: MYH8 is on the minus strand). VCF-style: chr17-10415107-G-A. GRCh37 (hg19) VCF-style: chr17-10318424-G-A.
Identifiers: ClinVar variation 129681 (VCV000129681.13), dbSNP rs75468422, ClinGen allele CA153836.